The following is an entry in ClinVar:

NM_000138.5(FBN1):c.308C>T (p.Pro103Leu)

Gene: FBN1 (fibrillin 1; minus strand). Cytogenetic location: 15q21.1.
Variant type: single nucleotide variant.
Coding change: c.308C>T on transcript NM_000138.5 (MANE Select); coding-DNA position 308, C replaced by T.
Protein change: p.Pro103Leu; replaces proline 103 with leucine.
Molecular consequence: missense variant.
Genome position (GRCh38, 1-based): chr15:48,610,766, G>A on the plus strand (C>T on the coding strand, the complement: FBN1 is on the minus strand). VCF-style: chr15-48610766-G-A. GRCh37 (hg19) VCF-style: chr15-48902963-G-A.
Other names: c.308C>T, p.Pro103Leu (NM_001406716.1, NM_001406717.1); short protein forms P103L.
Identifiers: ClinVar variation 3751952 (VCV003751952.2).

ClinVar aggregate classification (germline): Uncertain significance (1 of 4 stars; one submission).

Conditions:
Marfan syndrome (MFS). Also called: MARFAN SYNDROME, TYPE I; Marfan syndrome type 1; Marfan's syndrome; Marfan syndrome, classic; FBN1-Related Marfan Syndrome. Identifiers: Orphanet 284963, Orphanet 558, MedGen C0024796, MONDO:0007947, OMIM 154700.
Familial thoracic aortic aneurysm and aortic dissection (TAAD). Also called: Thoracic aortic aneurysms and dissections. Identifiers: Orphanet 91387, MedGen C4707243, MONDO:0019625.

Submission:

Labcorp Genetics (formerly Invitae), Labcorp
Classification: Uncertain significance for Marfan syndrome; Familial thoracic aortic aneurysm and aortic dissection. Last evaluated: 2024-04-01. Review status: criteria provided, single submitter. Criteria: Invitae Variant Classification Sherloc (09022015). Collection method: clinical testing. Allele origin: germline.
Comment: This sequence change replaces proline, which is neutral and non-polar, with leucine, which is neutral and non-polar, at codon 103 of the FBN1 protein (p.Pro103Leu). This variant is not present in population databases (gnomAD no frequency). This variant has not been reported in the literature in individuals affected with FBN1-related conditions. Advanced modeling of protein sequence and biophysical properties (such as structural, functional, and spatial information, amino acid conservation, physicochemical variation, residue mobility, and thermodynamic stability) has been performed at Invitae for this missense variant, however the output from this modeling did not meet the statistical confidence thresholds required to predict the impact of this variant on FBN1 protein function. In summary, the available evidence is currently insufficient to determine the role of this variant in disease. Therefore, it has been classified as a Variant of Uncertain Significance.